The following is an entry in ClinVar:

NM_000493.4(COL10A1):c.1012G>A (p.Gly338Arg)

Genes: COL10A1 (collagen type X alpha 1 chain; minus strand), NT5DC1 (5'-nucleotidase domain containing 1; plus strand). Cytogenetic location: 6q22.1.
Variant type: single nucleotide variant.
Coding change: c.1012G>A on transcript NM_000493.4 (MANE Select); coding-DNA position 1012, G replaced by A.
Protein change: p.Gly338Arg; replaces glycine 338 with arginine.
Molecular consequence: missense variant. On other transcripts: intron variant (1).
Genome position (GRCh38, 1-based): chr6:116,121,104, C>T on the plus strand (G>A on the coding strand, the complement: COL10A1 is on the minus strand). VCF-style: chr6-116121104-C-T. GRCh37 (hg19) VCF-style: chr6-116442267-C-T.
Other names: c.529+3159C>T (NM_152729.3); c.1012G>A, p.Gly338Arg (NM_001424106.1, NM_001424107.1); short protein forms G338R.
Identifiers: ClinVar variation 2053222 (VCV002053222.4), dbSNP rs747632782, ClinGen allele CA365390855.

ClinVar aggregate classification (germline): Uncertain significance (1 of 4 stars; one submission).

gnomAD v4.1: 1 of 1,613,846 alleles (0.000062%); highest among the groups gnomAD compares: East Asian, 0.0022%; no homozygotes.

Submission:

Labcorp Genetics (formerly Invitae), Labcorp
Classification: Uncertain significance. Last evaluated: 2022-07-30. Review status: criteria provided, single submitter. Criteria: Invitae Variant Classification Sherloc (09022015). Collection method: clinical testing. Allele origin: germline.
Comment: In summary, the available evidence is currently insufficient to determine the role of this variant in disease. Therefore, it has been classified as a Variant of Uncertain Significance. Algorithms developed to predict the effect of missense changes on protein structure and function are either unavailable or do not agree on the potential impact of this missense change (SIFT: "Deleterious"; PolyPhen-2: "Not Available"; Align-GVGD: "Class C15"). This variant has not been reported in the literature in individuals affected with COL10A1-related conditions. This variant is present in population databases (no rsID available, gnomAD 0.006%). This sequence change replaces glycine, which is neutral and non-polar, with arginine, which is basic and polar, at codon 338 of the COL10A1 protein (p.Gly338Arg).